The following is an entry in ClinVar:

ClinVar aggregate classification (germline): Uncertain significance (1 of 4 stars; one submission).

Conditions:
Gastrointestinal stromal tumor. Also called: Gastrointestinal stroma tumor; Gastrointestinal stromal tumor, somatic. Identifiers: Orphanet 44890, MedGen C0238198, MeSH D046152, MONDO:0011719, OMIM 606764, HP:0100723.

Submission:

Labcorp Genetics (formerly Invitae), Labcorp
Classification: Uncertain significance for Gastrointestinal stromal tumor. Last evaluated: 2021-05-09. Review status: criteria provided, single submitter. Criteria: Invitae Variant Classification Sherloc (09022015). Collection method: clinical testing. Allele origin: germline.
Comment: In summary, the available evidence is currently insufficient to determine the role of this variant in disease. Therefore, it has been classified as a Variant of Uncertain Significance. Algorithms developed to predict the effect of missense changes on protein structure and function are either unavailable or do not agree on the potential impact of this missense change (SIFT: "Tolerated"; PolyPhen-2: "Probably Damaging"; Align-GVGD: "Class C0"). This variant has not been reported in the literature in individuals with KIT-related conditions. This variant is not present in population databases (ExAC no frequency). This sequence change replaces threonine with proline at codon 302 of the KIT protein (p.Thr302Pro). The threonine residue is highly conserved and there is a small physicochemical difference between threonine and proline.

NM_000222.3(KIT):c.904A>C (p.Thr302Pro)

Gene: KIT (KIT proto-oncogene, receptor tyrosine kinase; plus strand). Cytogenetic location: 4q12.
Variant type: single nucleotide variant.
Coding change: c.904A>C on transcript NM_000222.3 (MANE Select); coding-DNA position 904, A replaced by C.
Protein change: p.Thr302Pro; replaces threonine 302 with proline.
Molecular consequence: missense variant.
Genome position (GRCh38, 1-based): chr4:54,703,871, A>C. VCF-style: chr4-54703871-A-C. GRCh37 (hg19) VCF-style: chr4-55570037-A-C.
Other names: c.904A>C, p.Thr302Pro (NM_001093772.2, NM_001385285.1, NM_001385286.1); c.907A>C, p.Thr303Pro (NM_001385284.1, NM_001385288.1, NM_001385290.1 and 1 more transcripts); short protein forms T302P, T303P.
Identifiers: ClinVar variation 1394245 (VCV001394245.8), dbSNP rs2109693719, ClinGen allele CA356900128.